The following is an entry in ClinVar:

NM_020843.4(SCAPER):c.2291G>A (p.Arg764Lys)

Gene: SCAPER (S-phase cyclin A associated protein in the ER; minus strand). Cytogenetic location: 15q24.3.
Variant type: single nucleotide variant.
Coding change: c.2291G>A on transcript NM_020843.4 (MANE Select); coding-DNA position 2291, G replaced by A.
Protein change: p.Arg764Lys; replaces arginine 764 with lysine.
Molecular consequence: missense variant. On other transcripts: non-coding transcript variant (1).
Genome position (GRCh38, 1-based): chr15:76,702,959, C>T on the plus strand (G>A on the coding strand, the complement: SCAPER is on the minus strand). VCF-style: chr15-76702959-C-T. GRCh37 (hg19) VCF-style: chr15-76995300-C-T.
Other names: c.1553G>A, p.Arg518Lys (NM_001145923.2); c.2309G>A, p.Arg770Lys (NM_001353009.2); c.1889G>A, p.Arg630Lys (NM_001353010.2, NM_001353012.2); c.1907G>A, p.Arg636Lys (NM_001353011.2); c.2309G>A (NM_001353009.1); short protein forms R636K, R518K, R630K, R764K, R770K.
Identifiers: ClinVar variation 2252182 (VCV002252182.3), dbSNP rs2059042150, ClinGen allele CA393637260.

ClinVar aggregate classification (germline): Uncertain significance. Review status: criteria provided, multiple submitters, no conflicts (2 of 4 stars). 2 submissions from 2 submitters: Uncertain significance (2). Last evaluated 2025-11-21.

Conditions:
SCAPER-related disorder. Also called: SCAPER-related condition.
Inborn genetic diseases. Identifiers: MedGen C0950123, MeSH D030342.

Allele frequency attached by ClinVar (database versions not stated): gnomAD 0.00001.
gnomAD v4.1: 1 of 1,607,470 alleles (0.000062%); highest among the groups gnomAD compares: African/African-American, 0.0013%; no homozygotes.

Submissions (2):

PreventionGenetics, part of Exact Sciences
Classification: Uncertain significance for SCAPER-related condition. Last evaluated: 2025-11-21. Review status: criteria provided, single submitter. Criteria: ACMG Guidelines, 2015. Collection method: clinical testing. Allele origin: germline.
Comment: The SCAPER c.2309G>A variant is predicted to result in the amino acid substitution p.Arg770Lys. To our knowledge, this variant has not been reported in the literature or in a large population database (gnomAD), indicating this variant is rare. At this time, the clinical significance of this variant is uncertain due to the absence of conclusive functional and genetic evidence.

Ambry Genetics
Classification: Uncertain significance for Inborn genetic diseases. Last evaluated: 2021-09-27. Review status: criteria provided, single submitter. Criteria: Ambry Variant Classification Scheme 2023. Collection method: clinical testing. Allele origin: germline.